The following is an entry in ClinVar:

NM_001378964.1(CDON):c.1710C>T (p.Asn570=)

Gene: CDON (cell adhesion associated, oncogene regulated; minus strand). Cytogenetic location: 11q24.2.
Variant type: single nucleotide variant.
Coding change: c.1710C>T on transcript NM_001378964.1 (MANE Select); coding-DNA position 1710, C replaced by T.
Protein change: p.Asn570=; no amino-acid change (asparagine 570 retained).
Molecular consequence: synonymous variant.
Genome position (GRCh38, 1-based): chr11:126,005,900, G>A on the plus strand (C>T on the coding strand, the complement: CDON is on the minus strand). VCF-style: chr11-126005900-G-A. GRCh37 (hg19) VCF-style: chr11-125875795-G-A.
Other names: c.1710C>T, p.Asn570= (NM_001243597.3, NM_016952.6).
Identifiers: ClinVar variation 3050270 (VCV003050270.4), dbSNP rs186773948, ClinGen allele CA6351967.
Genomic context (GRCh38, chr11:126,005,900, plus strand): 5'-TGTGTGGGTCTGTGGGGGGCTCAGTATGATGGGGGCATCAGGAACAGAGATGCCGCTGGC[G>A]TTTTTCTCTGGTGCTGATTCCACTGCACTGGGATGGACCTTCACCGGAAATGAGCTCAGT-3'
Protein context (NP_001365893.1, residues 560-580): PSAVESAPEK[Asn570=]ASGISVPDAP

ClinVar aggregate classification (germline): Likely benign. Review status: criteria provided, single submitter (1 of 4 stars). 2 submissions from 2 submitters: Likely benign (1). 1 of the submissions does not count toward it. Last evaluated 2025-04-30.

Conditions:
Holoprosencephaly 11 (HPE11). Identifiers: Orphanet 2162, MedGen C3280215, MONDO:0013642, OMIM 614226.
CDON-related disorder. Also called: CDON-related condition.

Allele frequency attached by ClinVar (database versions not stated): gnomAD 0.00003; gnomAD exomes 0.00002; ExAC 0.00003; TOPMed 0.00002; 1000 Genomes Project 30x 0.00016; 1000 Genomes Project 0.00020.
gnomAD v4.1: 28 of 1,614,100 alleles (0.0017%); highest among the groups gnomAD compares: South Asian, 0.011%; no homozygotes.

Submissions (2):

Labcorp Genetics (formerly Invitae), Labcorp
Classification: Likely benign for Holoprosencephaly 11. Last evaluated: 2025-04-30. Review status: criteria provided, single submitter. Criteria: Invitae Variant Classification Sherloc (09022015). Collection method: clinical testing. Allele origin: germline.

PreventionGenetics, part of Exact Sciences
Classification: Likely benign for CDON-related condition. Last evaluated: 2019-07-11. Review status: no assertion criteria provided. Collection method: clinical testing. Allele origin: germline. Not counted in ClinVar's aggregate classification.
Comment: This variant is classified as likely benign based on ACMG/AMP sequence variant interpretation guidelines (Richards et al. 2015 PMID: 25741868, with internal and published modifications).